The following is an entry in ClinVar:

NM_014112.5(TRPS1):c.1508C>G (p.Ser503Ter)

Gene: TRPS1 (transcriptional repressor GATA binding 1; minus strand). Cytogenetic location: 8q23.3.
Variant type: single nucleotide variant.
Coding change: c.1508C>G on transcript NM_014112.5 (MANE Select); coding-DNA position 1508, C replaced by G.
Protein change: p.Ser503Ter; replaces serine 503 with a stop codon.
Molecular consequence: nonsense.
Genome position (GRCh38, 1-based): chr8:115,604,461, G>C on the plus strand (C>G on the coding strand, the complement: TRPS1 is on the minus strand). VCF-style: chr8-115604461-G-C. GRCh37 (hg19) VCF-style: chr8-116616688-G-C.
Other names: c.1481C>G, p.Ser494Ter (NM_001282902.3); c.1487C>G, p.Ser496Ter (NM_001282903.3); c.1469C>G, p.Ser490Ter (NM_001330599.2); short protein forms S490*, S494*, S496*, S503*.
Identifiers: ClinVar variation 3759134 (VCV003759134.2).
Genomic context (GRCh38, chr8:115,604,461, plus strand): 5'-AAGTCCTTCTTTTTAGCCCCACTCGAGCTCTTGTCTGTCTTGGTCATTGTCTCTCCTTCT[G>C]AACTTTTGGCTAGATCATTCTGATTAATGACAGAGCCCCTGGAAAGCTTATCATTTAACT-3'

ClinVar aggregate classification (germline): Pathogenic (1 of 4 stars; one submission).

Conditions:
Trichorhinophalangeal dysplasia type I (TRPS1). Also called: TRICHORHINOPHALANGEAL SYNDROME, TYPE I; TRPS I. Identifiers: Orphanet 77258, MedGen C0432233, MONDO:0008596, OMIM 190350.
Trichorhinophalangeal syndrome, type III (TRPS3). Also called: SUGIO-KAJII SYNDROME. Identifiers: Orphanet 77258, MedGen C1860823, OMIM 190351, MONDO:0008597.

Submission:

Labcorp Genetics (formerly Invitae), Labcorp
Classification: Pathogenic for Trichorhinophalangeal syndrome, type III; Trichorhinophalangeal dysplasia type I. Last evaluated: 2025-09-01. Review status: criteria provided, single submitter. Criteria: Invitae Variant Classification Sherloc (09022015). Collection method: clinical testing. Allele origin: germline.
Comment: This sequence change creates a premature translational stop signal (p.Ser503*) in the TRPS1 gene. It is expected to result in an absent or disrupted protein product. Loss-of-function variants in TRPS1 are known to be pathogenic (PMID: 11112658). This variant is not present in population databases (gnomAD no frequency). This premature translational stop signal has been observed in individual(s) with tricho-rhino-phalangeal syndrome (PMID: 11112658). This variant is also known as S490X. ClinVar contains an entry for this variant (Variation ID: 3759134). For these reasons, this variant has been classified as Pathogenic.

Literature cited by the submitters: PubMed 11112658.